The following is an entry in ClinVar:

ClinVar aggregate classification (germline): Pathogenic (1 of 4 stars; one submission).

Submission:

Labcorp Genetics (formerly Invitae), Labcorp
Classification: Pathogenic. Last evaluated: 2022-09-19. Review status: criteria provided, single submitter. Criteria: Invitae Variant Classification Sherloc (09022015). Collection method: clinical testing. Allele origin: germline.
Comment: This variant has not been reported in the literature in individuals affected with RINT1-related conditions. This sequence change creates a premature translational stop signal (p.Val684Glyfs*12) in the RINT1 gene. It is expected to result in an absent or disrupted protein product. Loss-of-function variants in RINT1 are known to be pathogenic (PMID: 31204009). This variant is not present in population databases (gnomAD no frequency). ClinVar contains an entry for this variant (Variation ID: 970398). For these reasons, this variant has been classified as Pathogenic.

Literature cited by the submitters: PubMed 31204009.

NM_021930.6(RINT1):c.2047_2050dup (p.Val684fs)

Genes: EFCAB10 (EF-hand calcium binding domain 10; minus strand), RINT1 (RAD50 interactor 1; plus strand). Cytogenetic location: 7q22.3.
Variant type: Duplication.
Coding change: c.2047_2050dup on transcript NM_021930.6 (MANE Select); coding-DNA positions 2047 to 2050, 4 bases duplicated (GATG; older notation c.2047_2050dupGATG).
Protein change: p.Val684fs; shifts the reading frame from valine 684.
Molecular consequence: frameshift variant. On other transcripts: 3 prime UTR variant (2), non-coding transcript variant (1).
Genome position (GRCh38, 1-based): chr7:105,565,437-105,565,440, GATG duplicated; duplicating any 4 consecutive bases within chr7:105,565,435-105,565,440 gives the same sequence; the c. name uses the placement nearest the transcript's 3' end. VCF-style (leftmost placement, unchanged base first): chr7-105565434-C-CTGGA. GRCh37 (hg19) VCF-style: chr7-105205881-C-CTGGA.
Other names: c.*9_*12dup (NM_001355526.2); c.*111_*114dup (NM_001355530.2); c.369_372dup, p.Ala125fs (NM_001355531.2); c.1813_1816dup, p.Val606fs (NM_001346599.2); c.1024_1027dup, p.Val343fs (NM_001346600.2, NM_001346603.2); c.1123_1126dup, p.Val376fs (NM_001346601.2); short protein forms A125fs, V343fs, V606fs, V684fs, V376fs.
Identifiers: ClinVar variation 970398 (VCV000970398.7), dbSNP rs1791672042, ClinGen allele CA1139660161.
Genomic context (GRCh38, chr7:105,565,434, plus strand): 5'-TTGGAGCAGCAGCTTTGTTTCTCCTTATTTAAAATTTTCTGGCAAATGCTTGTAGAGAAG[C>CTGGA]TGGATGTATACATCTACCAAGAAGTAAGTAAGAATAGACTGTTTTTGGGCTGTGATAATA-3'